The following is an entry in ClinVar:

NM_138420.4(AHNAK2):c.2705C>T (p.Pro902Leu)

Gene: AHNAK2 (AHNAK nucleoprotein 2; minus strand). Cytogenetic location: 14q32.33.
Variant type: single nucleotide variant.
Coding change: c.2705C>T on transcript NM_138420.4 (MANE Select); coding-DNA position 2705, C replaced by T.
Protein change: p.Pro902Leu; replaces proline 902 with leucine.
Molecular consequence: missense variant.
Genome position (GRCh38, 1-based): chr14:104,952,746, G>A on the plus strand (C>T on the coding strand, the complement: AHNAK2 is on the minus strand). VCF-style: chr14-104952746-G-A. GRCh37 (hg19) VCF-style: chr14-105419083-G-A.
Other names: c.2405C>T, p.Pro802Leu (NM_001350929.2); short protein forms P802L, P902L.
Identifiers: ClinVar variation 2373117 (VCV002373117.26), dbSNP rs200145279, ClinGen allele CA7383381.

ClinVar aggregate classification (germline): Conflicting classifications of pathogenicity. Review status: criteria provided, conflicting classifications (1 of 4 stars). 2 submissions from 2 submitters: Uncertain significance (1); Likely benign (1). Last evaluated 2025-05-25.

Allele frequency attached by ClinVar (database versions not stated): gnomAD exomes 0.00020; ExAC 0.00030; gnomAD 0.00039; 1000 Genomes Project 0.00060; 1000 Genomes Project 30x 0.00062.
gnomAD v4.1: 355 of 1,612,300 alleles (0.022%); highest among the groups gnomAD compares: Middle Eastern, 0.05%; 1 homozygote.

Submissions (2):

Ambry Genetics
Classification: Uncertain significance. Last evaluated: 2025-05-25. Review status: criteria provided, single submitter. Criteria: Ambry Variant Classification Scheme 2023. Collection method: clinical testing. Allele origin: germline.

CeGaT Center for Human Genetics Tuebingen
Classification: Likely benign. Last evaluated: 2022-12-01. Review status: criteria provided, single submitter. Criteria: CeGaT Center For Human Genetics Tuebingen Variant Classification Criteria Version 2. Collection method: clinical testing. Allele origin: germline. Affected: yes. Observed: 1 variant allele.
Comment: AHNAK2: BP4